The following is an entry in ClinVar:

NM_004380.3(CREBBP):c.5150G>A (p.Arg1717His)

Gene: CREBBP (CREB binding lysine acetyltransferase; minus strand). Cytogenetic location: 16p13.3.
Variant type: single nucleotide variant.
Coding change: c.5150G>A on transcript NM_004380.3 (MANE Select); coding-DNA position 5150, G replaced by A.
Protein change: p.Arg1717His; replaces arginine 1717 with histidine.
Molecular consequence: missense variant.
Genome position (GRCh38, 1-based): chr16:3,731,214, C>T on the plus strand (G>A on the coding strand, the complement: CREBBP is on the minus strand). VCF-style: chr16-3731214-C-T. GRCh37 (hg19) VCF-style: chr16-3781215-C-T.
Other names: c.5036G>A, p.Arg1679His (NM_001079846.1); short protein forms R1679H, R1717H.
Identifiers: ClinVar variation 4829926 (VCV004829926.3).

ClinVar aggregate classification (germline): Uncertain significance. Review status: criteria provided, multiple submitters, no conflicts (2 of 4 stars). 3 submissions from 3 submitters: Uncertain significance (3). Last evaluated 2026-04-25.

Conditions:
CREBBP-related disorder. Also called: CREBBP-related condition; CREBBP-related disorders.
Inborn genetic diseases. Identifiers: MedGen C0950123, MeSH D030342.

gnomAD v4.1: 3 of 1,613,714 alleles (0.00019%); highest among the groups gnomAD compares: Non-Finnish European, 0.00025%; no homozygotes.

Submissions (3):

GeneDx
Classification: Uncertain significance. Last evaluated: 2026-04-25. Review status: criteria provided, single submitter. Criteria: GeneDx Variant Classification Process June 2021. Collection method: clinical testing. Allele origin: germline.
Comment: In silico analysis supports that this missense variant has a deleterious effect on protein structure/function; Has not been previously published as pathogenic or benign to our knowledge; This variant is associated with the following publications: (PMID: 27311832)

Ambry Genetics
Classification: Uncertain significance for Inborn genetic diseases. Last evaluated: 2026-02-17. Review status: criteria provided, single submitter. Criteria: Ambry Variant Classification Scheme 2023. Collection method: clinical testing. Allele origin: germline.

PreventionGenetics, part of Exact Sciences
Classification: Uncertain significance for CREBBP-related condition. Last evaluated: 2025-06-30. Review status: criteria provided, single submitter. Criteria: ACMG Guidelines, 2015. Collection method: clinical testing. Allele origin: germline.
Comment: The CREBBP c.5150G>A variant is predicted to result in the amino acid substitution p.Arg1717His. To our knowledge, this variant has not been reported in the literature. This variant is reported in 0.0033% of alleles in individuals of South Asian descent in gnomAD. At this time, the clinical significance of this variant is uncertain due to the absence of conclusive functional and genetic evidence.